The following is an entry in ClinVar:

NM_022041.4(GAN):c.238G>C (p.Val80Leu)

Gene: GAN (gigaxonin; plus strand). Cytogenetic location: 16q23.2.
Variant type: single nucleotide variant.
Coding change: c.238G>C on transcript NM_022041.4 (MANE Select); coding-DNA position 238, G replaced by C.
Protein change: p.Val80Leu; replaces valine 80 with leucine.
Molecular consequence: missense variant. On other transcripts: intron variant (1).
Genome position (GRCh38, 1-based): chr16:81,351,653, G>C. VCF-style: chr16-81351653-G-C. GRCh37 (hg19) VCF-style: chr16-81385258-G-C.
Other names: c.-357-2752G>C (NM_001377486.1); short protein forms V80L.
Identifiers: ClinVar variation 934012 (VCV000934012.7), dbSNP rs146629249, ClinGen allele CA8191296.

ClinVar aggregate classification (germline): Uncertain significance (1 of 4 stars; one submission).

Conditions:
Giant axonal neuropathy 1 (GAN1). Also called: GIANT AXONAL NEUROPATHY 1, AUTOSOMAL RECESSIVE; GAN-Related Neurodegeneration. Identifiers: Orphanet 643, MedGen C1850386, MONDO:0009749, OMIM 256850.

Allele frequency attached by ClinVar (database versions not stated): gnomAD exomes 0.00001; ExAC 0.00002; gnomAD 0.00003; TOPMed 0.00004; ESP Exome Variant Server 0.00008.
gnomAD v4.1: 8 of 1,561,240 alleles (0.00051%); highest among the groups gnomAD compares: African/African-American, 0.0095%; no homozygotes.

Submission:

Labcorp Genetics (formerly Invitae), Labcorp
Classification: Uncertain significance for Giant axonal neuropathy 1. Last evaluated: 2021-08-31. Review status: criteria provided, single submitter. Criteria: Invitae Variant Classification Sherloc (09022015). Collection method: clinical testing. Allele origin: germline.
Comment: This sequence change replaces valine with leucine at codon 80 of the GAN protein (p.Val80Leu). The valine residue is highly conserved and there is a small physicochemical difference between valine and leucine. This variant is present in population databases (rs146629249, ExAC 0.02%). This variant has not been reported in the literature in individuals affected with GAN-related conditions. Algorithms developed to predict the effect of missense changes on protein structure and function (SIFT, PolyPhen-2, Align-GVGD) all suggest that this variant is likely to be tolerated. In summary, the available evidence is currently insufficient to determine the role of this variant in disease. Therefore, it has been classified as a Variant of Uncertain Significance.